The following is an entry in ClinVar:

NM_006231.4(POLE):c.6698C>G (p.Pro2233Arg)

Gene: POLE (DNA polymerase epsilon, catalytic subunit; minus strand). Cytogenetic location: 12q24.33.
Variant type: single nucleotide variant.
Coding change: c.6698C>G on transcript NM_006231.4 (MANE Select); coding-DNA position 6698, C replaced by G.
Protein change: p.Pro2233Arg; replaces proline 2233 with arginine.
Molecular consequence: missense variant.
Genome position (GRCh38, 1-based): chr12:132,624,954, G>C on the plus strand (C>G on the coding strand, the complement: POLE is on the minus strand). VCF-style: chr12-132624954-G-C. GRCh37 (hg19) VCF-style: chr12-133201540-G-C.
Other names: short protein forms P2233R.
Identifiers: ClinVar variation 1716566 (VCV001716566.3), dbSNP rs1566307187, ClinGen allele CA387366148.

ClinVar aggregate classification (germline): Uncertain significance (1 of 4 stars; one submission).

Submission:

Labcorp Genetics (formerly Invitae), Labcorp
Classification: Uncertain significance. Last evaluated: 2022-08-16. Review status: criteria provided, single submitter. Criteria: Invitae Variant Classification Sherloc (09022015). Collection method: clinical testing. Allele origin: germline.
Comment: In summary, the available evidence is currently insufficient to determine the role of this variant in disease. Therefore, it has been classified as a Variant of Uncertain Significance. Algorithms developed to predict the effect of missense changes on protein structure and function are either unavailable or do not agree on the potential impact of this missense change (SIFT: "Deleterious"; PolyPhen-2: "Benign"; Align-GVGD: "Class C0"). This variant has not been reported in the literature in individuals affected with POLE-related conditions. This variant is not present in population databases (gnomAD no frequency). This sequence change replaces proline, which is neutral and non-polar, with arginine, which is basic and polar, at codon 2233 of the POLE protein (p.Pro2233Arg).